The following is an entry in ClinVar:

ClinVar aggregate classification (germline): Uncertain significance. Review status: criteria provided, multiple submitters, no conflicts (2 of 4 stars). 2 submissions from 2 submitters: Uncertain significance (2). Last evaluated 2024-01-20.

Conditions:
Cardiofaciocutaneous syndrome 1 (CFC1). Also called: BRAF-Related Cardiofaciocutaneous Syndrome; MAP2K1-Related Cardiofaciocutaneous Syndrome; KRAS-Related Cardiofaciocutaneous Syndrome; MAP2K2-Related Cardiofaciocutaneous Syndrome. Identifiers: Orphanet 1340, MedGen CN029449, MONDO:0007265, OMIM 115150. Disease mechanism: gain of function.
Melanoma, cutaneous malignant, susceptibility to, 1 (CMM1). Also called: MELANOMA, MALIGNANT; DYSPLASTIC NEVUS SYNDROME, HEREDITARY; FAMILIAL ATYPICAL MOLE-MALIGNANT MELANOMA SYNDROME; B-K MOLE SYNDROME. Identifiers: Orphanet 618, MedGen C1835047, MONDO:0007963, OMIM 155600.
Lung cancer. Also called: Lung cancer, somatic; Malignant tumor of lung. Identifiers: MedGen C0242379, MONDO:0008903, OMIM 211980.
LEOPARD syndrome 3 (LPRD3). Identifiers: Orphanet 500, MedGen C3150971, MONDO:0013380, OMIM 613707.
Noonan syndrome 7 (NS7). Also called: BRAF-Related Noonan Syndrome. Identifiers: Orphanet 648, MedGen C3150970, MONDO:0013379, OMIM 613706.
Colorectal cancer. Also called: Colorectal cancer, somatic; Malignant Colorectal Neoplasm. Identifiers: MedGen C0346629, MONDO:0005575, OMIM 114500.
RASopathy. Also called: rasopathies; Noonan spectrum disorder. Identifiers: Orphanet 536391, MedGen C5555857, MONDO:0021060.

Submissions (2):

Fulgent Genetics
Classification: Uncertain significance for Colorectal cancer; Cardiofaciocutaneous syndrome 1; Melanoma, cutaneous malignant, susceptibility to, 1; Lung cancer; Noonan syndrome 7; LEOPARD syndrome 3. Last evaluated: 2024-01-20. Review status: criteria provided, single submitter. Criteria: ACMG Guidelines, 2015. Collection method: clinical testing. Allele origin: germline.

Labcorp Genetics (formerly Invitae), Labcorp
Classification: Uncertain significance for RASopathy. Last evaluated: 2022-11-08. Review status: criteria provided, single submitter. Criteria: Invitae Variant Classification Sherloc (09022015). Collection method: clinical testing. Allele origin: germline.
Comment: In summary, the available evidence is currently insufficient to determine the role of this variant in disease. Therefore, it has been classified as a Variant of Uncertain Significance. Experimental studies and prediction algorithms are not available or were not evaluated, and the functional significance of this variant is currently unknown. This variant has not been reported in the literature in individuals affected with BRAF-related conditions. This variant is not present in population databases (gnomAD no frequency). This variant, c.369_371del, results in the deletion of 1 amino acid(s) of the BRAF protein (p.Ser127del), but otherwise preserves the integrity of the reading frame.

NM_004333.6(BRAF):c.366TTC[1] (p.Ser127del)

Gene: BRAF (B-Raf proto-oncogene, serine/threonine kinase; minus strand). Cytogenetic location: 7q34.
Variant type: Microsatellite.
Coding change: c.366TTC[1] on transcript NM_004333.6 (MANE Select); one copy of the 3-base unit TTC starting at c.366; the reference has two copies in a row; one copy, 3 bases deleted; also written c.369_371del.
Protein change: p.Ser127del; deletes serine 127.
Molecular consequence: inframe deletion. On other transcripts: intron variant (1).
Genome position (GRCh38, 1-based): chr7:140,834,742-140,834,744, GAA deleted on the plus strand (TTC on the coding strand, the reverse complement: BRAF is on the minus strand); deleting any 3 consecutive bases within chr7:140,834,742-140,834,749 gives the same sequence; the position shown is the placement nearest the transcript's 3' end. VCF-style (leftmost placement, unchanged base first): chr7-140834741-GGAA-G. GRCh37 (hg19) VCF-style: chr7-140534541-GGAA-G.
Other names: c.240+15367_240+15369del (NM_001378475.1); c.369_371del (NM_004333.6); c.366TTC[1], p.Ser127del (NM_001354609.2, NM_001374244.1, NM_001374258.1 and 5 more transcripts); c.264TTC[1], p.Ser93del (NM_001378470.1); c.210TTC[1], p.Ser75del (NM_001378472.1, NM_001378473.1); short protein forms S127del, S75del, S93del.
Identifiers: ClinVar variation 1947679 (VCV001947679.6), dbSNP rs2129062126, ClinGen allele CA2580614274.